The following is an entry in ClinVar:

ClinVar aggregate classification (germline): Likely pathogenic (1 of 4 stars; one submission).

gnomAD v4.1: 1 of 1,189,351 alleles (0.000084%); no homozygotes.

Submission:

Labcorp Genetics (formerly Invitae), Labcorp
Classification: Likely pathogenic. Last evaluated: 2020-07-22. Review status: criteria provided, single submitter. Criteria: Invitae Variant Classification Sherloc (09022015). Collection method: clinical testing. Allele origin: germline.
Comment: This sequence change affects an acceptor splice site in intron 24 of the CACNA1F gene. It is expected to disrupt RNA splicing and likely results in an absent or disrupted protein product. Algorithms developed to predict the effect of sequence changes on RNA splicing suggest that this variant may disrupt the consensus splice site, but this prediction has not been confirmed by published transcriptional studies. This variant has not been reported in the literature in individuals with CACNA1F-related conditions. This variant is not present in population databases (ExAC no frequency). In summary, the currently available evidence indicates that the variant is pathogenic, but additional data are needed to prove that conclusively. Therefore, this variant has been classified as Likely Pathogenic. Donor and acceptor splice site variants typically lead to a loss of protein function (PMID: 16199547), and loss-of-function variants in CACNA1F are known to be pathogenic (PMID: 9662399, 11281458, 17525176, 22194652, 24124559, 26992781).

Literature cited by the submitters: PubMed 16199547; PubMed 9662399; PubMed 11281458; PubMed 17525176; PubMed 22194652; PubMed 24124559; PubMed 26992781.

NM_001256789.3(CACNA1F):c.2929-1G>A

Gene: CACNA1F (calcium voltage-gated channel subunit alpha1 F; minus strand). Cytogenetic location: Xp11.23.
Variant type: single nucleotide variant.
Coding change: c.2929-1G>A on transcript NM_001256789.3 (MANE Select); the canonical splice acceptor site of the intron before coding-DNA position 2929, G replaced by A.
Molecular consequence: splice acceptor variant.
Genome position (GRCh38, 1-based): chrX:49,218,006, C>T on the plus strand (G>A on the coding strand, the complement: CACNA1F is on the minus strand). VCF-style: chrX-49218006-C-T. GRCh37 (hg19) VCF-style: chrX-49074465-C-T.
Other names: c.2962-1G>A (NM_005183.4); c.2767-1G>A (NM_001256790.3).
Identifiers: ClinVar variation 1066956 (VCV001066956.7), dbSNP rs2147907573, ClinGen allele CA412964559.